The following is an entry in ClinVar:

ClinVar aggregate classification (germline): Conflicting classifications of pathogenicity. Review status: criteria provided, conflicting classifications (1 of 4 stars). 2 submissions from 2 submitters: Pathogenic (1); Uncertain significance (1). Last evaluated 2024-12-20.

Conditions:
Inborn genetic diseases. Identifiers: MedGen C0950123, MeSH D030342.
CHARGE syndrome (CHARGE). Also called: Hittner Hirsch Kreh syndrome; Coloboma, heart anomaly, choanal atresia, retardation, genital and ear anomalies; CHARGE association; Hall-Hittner syndrome; CHARGE ASSOCIATION--COLOBOMA, HEART ANOMALY, CHOANAL ATRESIA, RETARDATION, GENITAL AND EAR ANOMALIES. Identifiers: Orphanet 138, MedGen C0265354, MONDO:0008965.

Submissions (2):

3billion
Classification: Uncertain significance for CHD7-related CHARGE syndrome. Last evaluated: 2024-12-20. Review status: criteria provided, single submitter. Criteria: ACMG Guidelines, 2015. Collection method: clinical testing. Allele origin: germline. Affected: yes.
Comment: The variant is not observed in the gnomAD v4.1.0 dataset. Predicted Consequence/Location: Missense variant In silico tool predictions suggest damaging effect of the variant on gene or gene product [REVEL: 0.93 (>=0.6, sensitivity 0.68 and specificity 0.92)]. The same nucleotide change resulting in the same amino acid change has been previously reported to be associated with CHD7-related disorder (ClinVar ID: VCV000521017). However, the evidence of pathogenicity is insufficient at this time. Therefore, this variant is classified as VUS according to the recommendation of ACMG/AMP guideline.

Ambry Genetics
Classification: Pathogenic for Inborn genetic diseases. Last evaluated: 2016-03-18. Review status: criteria provided, single submitter. Criteria: Ambry exome assertion method (8-5-2015). Collection method: clinical testing. Allele origin: germline. Affected: yes. Observed: 1 variant allele.

NM_017780.4(CHD7):c.5426T>G (p.Met1809Arg)

Gene: CHD7 (chromodomain helicase DNA binding protein 7; plus strand). Cytogenetic location: 8q12.2.
Variant type: single nucleotide variant.
Coding change: c.5426T>G on transcript NM_017780.4 (MANE Select); coding-DNA position 5426, T replaced by G.
Protein change: p.Met1809Arg; replaces methionine 1809 with arginine.
Molecular consequence: missense variant. On other transcripts: intron variant (1).
Genome position (GRCh38, 1-based): chr8:60,850,514, T>G. VCF-style: chr8-60850514-T-G. GRCh37 (hg19) VCF-style: chr8-61763073-T-G.
Other names: c.1717-11715T>G (NM_001316690.1); short protein forms M1809R.
Identifiers: ClinVar variation 521017 (VCV000521017.5), dbSNP rs1554603550, ClinGen allele CA371321530.